The following is an entry in ClinVar:

ClinVar aggregate classification (germline): Likely benign (1 of 4 stars; one submission).

Submission:

CeGaT Center for Human Genetics Tuebingen
Classification: Likely benign. Last evaluated: 2026-03-01. Review status: criteria provided, single submitter. Criteria: CeGaT Center For Human Genetics Tuebingen Variant Classification Criteria Version 2. Collection method: clinical testing. Allele origin: germline. Affected: yes. Observed: 1 variant allele.
Comment: PIEZO1: PM2:Supporting, BP4, BP7

NM_001142864.4(PIEZO1):c.2400A>C (p.Ser800=)

Genes: HSALR1 (HSP90AB1 associated lncRNA 1; plus strand), PIEZO1 (piezo type mechanosensitive ion channel component 1 (Er blood group); minus strand). Cytogenetic location: 16q24.3.
Variant type: single nucleotide variant.
Coding change: c.2400A>C on transcript NM_001142864.4 (MANE Select); coding-DNA position 2400, A replaced by C.
Protein change: p.Ser800=; no amino-acid change (serine 800 retained).
Molecular consequence: synonymous variant.
Genome position (GRCh38, 1-based): chr16:88,733,675, T>G on the plus strand (A>C on the coding strand, the complement: PIEZO1 is on the minus strand). VCF-style: chr16-88733675-T-G. GRCh37 (hg19) VCF-style: chr16-88800083-T-G.
Identifiers: ClinVar variation 4821398 (VCV004821398.4).